The following is an entry in ClinVar:

NM_177550.5(SLC13A5):c.716+5G>A

Gene: SLC13A5 (solute carrier family 13 member 5; minus strand). Cytogenetic location: 17p13.1.
Variant type: single nucleotide variant.
Coding change: c.716+5G>A on transcript NM_177550.5 (MANE Select); 5 bases into the intron after coding-DNA position 716, G replaced by A.
Molecular consequence: intron variant.
Genome position (GRCh38, 1-based): chr17:6,702,965, C>T on the plus strand (G>A on the coding strand, the complement: SLC13A5 is on the minus strand). VCF-style: chr17-6702965-C-T. GRCh37 (hg19) VCF-style: chr17-6606284-C-T.
Other names: NM_177550.4(SLC13A5):c.716+5G>A; c.587+5G>A (NM_001284510.2); c.665+5G>A (NM_001284509.2); c.716+5G>A (NM_001143838.3).
Identifiers: ClinVar variation 373237 (VCV000373237.5), dbSNP rs1057518298, ClinGen allele CA16043033.
Genomic context (GRCh38, chr17:6,702,965, plus strand): 5'-TGGGCAGGTCCCTCCAGCCCCGGTACCCACTTCGTTGTCCCCAGAAGGTGCGACCAAGGA[C>T]TCACTCGTTCATCTGGCCCAGGAGCACCACGTTGGGTCCCGTCCCGGTCAGGGTGGCGGT-3'

ClinVar aggregate classification (germline): Conflicting classifications of pathogenicity. Review status: criteria provided, conflicting classifications (1 of 4 stars). 4 submissions from 4 submitters: Likely pathogenic (2); Uncertain significance (1). 1 of the submissions does not count toward it. Last evaluated 2024-07-10.

Conditions:
Developmental and epileptic encephalopathy, 25 (DEE25). Also called: Epileptic encephalopathy, early infantile, 25; Developmental and epileptic encephalopathy 25, with amelogenesis imperfecta; Epileptic encephalopathy, early infantile, 25, with amelogenesis imperfecta. Identifiers: Orphanet 442835, MedGen C4014621, MONDO:0014392, OMIM 615905.
SLC13A5-related disorder. Also called: SLC13A5-related condition.

Allele frequency attached by ClinVar (database versions not stated): gnomAD exomes below 0.00001.
gnomAD v4.1: 1 of 1,613,754 alleles (0.000062%); highest among the groups gnomAD compares: South Asian, 0.0011%; no homozygotes.

Submissions (4):

Blueprint Genetics
Classification: Likely pathogenic for SLC13A5-related disorders. Last evaluated: 2024-07-10. Review status: criteria provided, single submitter. Criteria: ACMG Guidelines, 2015. Collection method: clinical testing. Allele origin: germline. Affected: yes. Observed: 5 variant alleles.

Broad Center for Mendelian Genomics, Broad Institute of MIT and Harvard
Classification: Uncertain significance for Developmental and epileptic encephalopathy, 25. Last evaluated: 2021-11-02. Review status: criteria provided, single submitter. Criteria: ACMG Guidelines, 2015. Collection method: curation. Allele origin: germline. Inheritance: Autosomal recessive inheritance.
Comment: The c.716+5G>A variant in SLC13A5 has been reported in 1 homozygous individual with developmental and epileptic encephalopathy (PMID: 31487502) and has been identified in in 0.003% (1/30568) of South Asian chromosomes by the Genome Aggregation Database (gnomAD; dbSNP ID: rs1057518298). Although this variant has been seen in the general population in a heterozygous state, its frequency is low enough to be consistent with a recessive carrier frequency. This variant has also been reported in ClinVar (Variation ID#: 373237) and has been interpreted as likely pathogenic by GeneDx. This variant is located in the 3' splice region. Computational tools do suggest an impact to splicing. However, this information is not predictive enough to determine/rule out pathogenicity. In summary, the clinical significance of the c.716+5G>A variant is uncertain. ACMG/AMP Criteria applied: PM2_supporting, PM3_supporting, PP3 (Richards 2015).

GeneDx
Classification: Likely pathogenic. Last evaluated: 2016-12-01. Review status: criteria provided, single submitter. Criteria: GeneDx Variant Classification (06012015). Collection method: clinical testing. Allele origin: germline. Affected: yes.
Comment: The c.716+5G>A variant in the SLC13A5 gene has not been reported previously as a pathogenic variant, nor as a benign variant, to our knowledge. This variant destroys the splice donor site in intron 5, and is expected to cause abnormal gene splicing. The c.716+5G>A variant was not observed in approximately 6,500 individuals of European and African American ancestry in the NHLBI Exome Sequencing Project, indicating it is not a common benign variant in these populations. Therefore, we interpret c.716+5G>A as a likely pathogenic variant.

Hong-Tao Li Lab, Institute of Brain Science and Brain-inspired Research, Shandong First Medical University & Shandong Academy of Medical Sciences China
Classification: Likely pathogenic for Developmental and epileptic encephalopathy, 25. Review status: no assertion criteria provided. Collection method: research. Allele origin: germline. Inheritance: Autosomal recessive inheritance. Affected: yes. Observed: 1 variant allele, 1 homozygote. Not counted in ClinVar's aggregate classification.
Comment: Observed in affected individuals from a Pakistani neurodevelopmental-disorder research cohort of 263 individuals. Classification assigned using the ACMG/AMP framework. Population-frequency evidence: gnomAD AF 4.005e-06.